The following is an entry in ClinVar:

ClinVar aggregate classification (germline): Uncertain significance (1 of 4 stars; one submission).

Allele frequency attached by ClinVar (database versions not stated): gnomAD exomes below 0.00001 and 0.00001; TOPMed below 0.00001; gnomAD 0.00001.
gnomAD v4.1: 9 of 1,613,994 alleles (0.00056%); highest among the groups gnomAD compares: Non-Finnish European, 0.00076%; no homozygotes.

Submission:

Labcorp Genetics (formerly Invitae), Labcorp
Classification: Uncertain significance. Last evaluated: 2024-05-23. Review status: criteria provided, single submitter. Criteria: Invitae Variant Classification Sherloc (09022015). Collection method: clinical testing. Allele origin: germline.
Comment: This sequence change replaces alanine, which is neutral and non-polar, with threonine, which is neutral and polar, at codon 400 of the MTOR protein (p.Ala400Thr). This variant is present in population databases (no rsID available, gnomAD 0.0009%). This variant has not been reported in the literature in individuals affected with MTOR-related conditions. ClinVar contains an entry for this variant (Variation ID: 1387564). Advanced modeling of protein sequence and biophysical properties (such as structural, functional, and spatial information, amino acid conservation, physicochemical variation, residue mobility, and thermodynamic stability) performed at Invitae indicates that this missense variant is not expected to disrupt MTOR protein function with a negative predictive value of 95%. In summary, the available evidence is currently insufficient to determine the role of this variant in disease. Therefore, it has been classified as a Variant of Uncertain Significance.

NM_004958.4(MTOR):c.1198G>A (p.Ala400Thr)

Gene: MTOR (mechanistic target of rapamycin kinase; minus strand). Cytogenetic location: 1p36.22.
Variant type: single nucleotide variant.
Coding change: c.1198G>A on transcript NM_004958.4 (MANE Select); coding-DNA position 1198, G replaced by A.
Protein change: p.Ala400Thr; replaces alanine 400 with threonine.
Molecular consequence: missense variant. On other transcripts: intron variant (1).
Genome position (GRCh38, 1-based): chr1:11,247,652, C>T on the plus strand (G>A on the coding strand, the complement: MTOR is on the minus strand). VCF-style: chr1-11247652-C-T. GRCh37 (hg19) VCF-style: chr1-11307709-C-T.
Other names: c.1198G>A, p.Ala400Thr (NM_001386500.1); c.-24+167G>A (NM_001386501.1); short protein forms A400T.
Identifiers: ClinVar variation 1387564 (VCV001387564.8), dbSNP rs1484051539, ClinGen allele CA338399052.
Genomic context (GRCh38, chr1:11,247,652, plus strand): 5'-ATGGGTAATGATGTCTTCCATGGACATCCTCACCTGTGAAGGCAGAAGGTCGGAATGCAG[C>T]CAAGCGGGGCAACAAATTAAGGATTGTCATTTGGATCAGCGAGTTCTTGCTATTCCTGCA-3'
Protein context (NP_004949.1, residues 390-410): MTILNLLPRL[Ala400Thr]AFRPSAFTDT